The following is an entry in ClinVar:

ClinVar aggregate classification (germline): Uncertain significance (1 of 4 stars; one submission).

Conditions:
MAGEL2-related disorder. Also called: MAGEL2-related condition.

Submission:

PreventionGenetics, part of Exact Sciences
Classification: Uncertain significance for MAGEL2-related condition. Last evaluated: 2026-01-28. Review status: criteria provided, single submitter. Criteria: ACMG Guidelines, 2015. Collection method: clinical testing. Allele origin: germline.
Comment: The MAGEL2 c.102_122dup21 variant is predicted to result in an in-frame duplication (p.Ala35_Pro41dup). To our knowledge, this variant has not been reported in the literature or in a large population database (gnomAD), indicating this variant is rare. At this time, the clinical significance of this variant is uncertain due to the absence of conclusive functional and genetic evidence.

NM_019066.5(MAGEL2):c.102_122dup (p.Pro41_Val42insAlaSerSerArgAlaProPro)

Gene: MAGEL2 (MAGE family member L2; minus strand). Cytogenetic location: 15q11.2.
Variant type: Duplication.
Coding change: c.102_122dup on transcript NM_019066.5 (MANE Select); coding-DNA positions 102 to 122, 21 bases duplicated (CGCTTCCTCCCGGGCTCCGCC).
Protein change: p.Pro41_Val42insAlaSerSerArgAlaProPro.
Molecular consequence: inframe insertion.
Genome position (GRCh38, 1-based): chr15:23,647,621-23,647,641, GGCGGAGCCCGGGAGGAAGCG duplicated on the plus strand (CGCTTCCTCCCGGGCTCCGCC on the coding strand, the reverse complement: MAGEL2 is on the minus strand); duplicating any 21 consecutive bases within chr15:23,647,621-23,647,646 gives the same sequence; the c. name uses the placement nearest the transcript's 3' end. VCF-style (leftmost placement, unchanged base first): chr15-23647620-T-TGGCGGAGCCCGGGAGGAAGCG. GRCh37 (hg19) VCF-style: chr15-23892767-T-TGGCGGAGCCCGGGAGGAAGCG.
Identifiers: ClinVar variation 4994395 (VCV004994395.1).